The following is an entry in ClinVar:

NM_003038.5(SLC1A4):c.865G>A (p.Val289Met)

Gene: SLC1A4 (solute carrier family 1 member 4; plus strand). Cytogenetic location: 2p14.
Variant type: single nucleotide variant.
Coding change: c.865G>A on transcript NM_003038.5 (MANE Select); coding-DNA position 865, G replaced by A.
Protein change: p.Val289Met; replaces valine 289 with methionine.
Molecular consequence: missense variant. On other transcripts: intron variant (1).
Genome position (GRCh38, 1-based): chr2:65,016,504, G>A. VCF-style: chr2-65016504-G-A. GRCh37 (hg19) VCF-style: chr2-65243638-G-A.
Other names: c.205G>A, p.Val69Met (NM_001348406.2, NM_001348407.2); c.141-1567G>A (NM_001193493.2); short protein forms V69M, V289M.
Identifiers: ClinVar variation 1517958 (VCV001517958.27), dbSNP rs139319094, ClinGen allele CA1686001.

ClinVar aggregate classification (germline): Conflicting classifications of pathogenicity. Review status: criteria provided, conflicting classifications (1 of 4 stars). 3 submissions from 3 submitters: Uncertain significance (1); Likely benign (2). Last evaluated 2024-10-25.

Allele frequency attached by ClinVar (database versions not stated): ExAC 0.00077; gnomAD exomes 0.00081 and 0.00137; TOPMed 0.00082; gnomAD 0.00086 and 0.00102; ESP Exome Variant Server 0.00108.
gnomAD v4.1: 2,100 of 1,614,072 alleles (0.13%); highest among the groups gnomAD compares: Non-Finnish European, 0.17%; 3 homozygotes.

Submissions (3):

Blueprint Genetics
Classification: Likely benign. Last evaluated: 2024-10-25. Review status: criteria provided, single submitter. Criteria: ACMG Guidelines, 2015. Collection method: clinical testing. Allele origin: germline.

CeGaT Center for Human Genetics Tuebingen
Classification: Likely benign. Last evaluated: 2023-06-01. Review status: criteria provided, single submitter. Criteria: CeGaT Center For Human Genetics Tuebingen Variant Classification Criteria Version 2. Collection method: clinical testing. Allele origin: germline. Affected: yes. Observed: 1 variant allele.
Comment: SLC1A4: BP4, BS2

Labcorp Genetics (formerly Invitae), Labcorp
Classification: Uncertain significance. Last evaluated: 2022-08-08. Review status: criteria provided, single submitter. Criteria: Invitae Variant Classification Sherloc (09022015). Collection method: clinical testing. Allele origin: germline.
Comment: This sequence change replaces valine, which is neutral and non-polar, with methionine, which is neutral and non-polar, at codon 289 of the SLC1A4 protein (p.Val289Met). This variant is present in population databases (rs139319094, gnomAD 0.1%), and has an allele count higher than expected for a pathogenic variant. This variant has not been reported in the literature in individuals affected with SLC1A4-related conditions. ClinVar contains an entry for this variant (Variation ID: 1517958). Algorithms developed to predict the effect of missense changes on protein structure and function output the following: SIFT: "Tolerated"; PolyPhen-2: "Benign"; Align-GVGD: "Class C0". The methionine amino acid residue is found in multiple mammalian species, which suggests that this missense change does not adversely affect protein function. In summary, the available evidence is currently insufficient to determine the role of this variant in disease. Therefore, it has been classified as a Variant of Uncertain Significance.